The following is an entry in ClinVar:

NM_004398.4(DDX10):c.240A>G (p.Thr80=)

Genes: DDX10 (DEAD-box helicase 10; plus strand), LOC106865368 (inversion(11)(p15q22) DEAD (Asp-Glu-Ala-Asp) box polypeptide 10 recombination region; plus strand). Cytogenetic location: 11q22.3.
Variant type: single nucleotide variant.
Coding change: c.240A>G on transcript NM_004398.4 (MANE Select); coding-DNA position 240, A replaced by G.
Protein change: p.Thr80=; no amino-acid change (threonine 80 retained).
Molecular consequence: synonymous variant.
Genome position (GRCh38, 1-based): chr11:108,673,520, A>G. VCF-style: chr11-108673520-A-G. GRCh37 (hg19) VCF-style: chr11-108544247-A-G.
Identifiers: ClinVar variation 3049135 (VCV003049135.2), dbSNP rs139924239, ClinGen allele CA6268497.

ClinVar aggregate classification (germline): Likely benign (0 of 4 stars; one submission).

Conditions:
DDX10-related disorder. Also called: DDX10-related condition.

Allele frequency attached by ClinVar (database versions not stated): ExAC 0.00012; gnomAD 0.00042; ESP Exome Variant Server 0.00046; TOPMed 0.00048; 1000 Genomes Project 30x 0.00078; 1000 Genomes Project 0.00080.
gnomAD v4.1: 115 of 1,591,902 alleles (0.0072%); highest among the groups gnomAD compares: African/African-American, 0.15%; no homozygotes.

Submission:

PreventionGenetics, part of Exact Sciences
Classification: Likely benign for DDX10-related condition. Last evaluated: 2019-11-18. Review status: no assertion criteria provided. Collection method: clinical testing. Allele origin: germline.
Comment: This variant is classified as likely benign based on ACMG/AMP sequence variant interpretation guidelines (Richards et al. 2015 PMID: 25741868, with internal and published modifications).